The following is an entry in ClinVar:

ClinVar aggregate classification (germline): Uncertain significance (1 of 4 stars; one submission).

Submission:

Labcorp Genetics (formerly Invitae), Labcorp
Classification: Uncertain significance. Last evaluated: 2024-06-08. Review status: criteria provided, single submitter. Criteria: Invitae Variant Classification Sherloc (09022015). Collection method: clinical testing. Allele origin: germline.
Comment: This sequence change replaces leucine, which is neutral and non-polar, with arginine, which is basic and polar, at codon 250 of the TUBB1 protein (p.Leu250Arg). This variant is not present in population databases (gnomAD no frequency). This variant has not been reported in the literature in individuals affected with TUBB1-related conditions. Advanced modeling of protein sequence and biophysical properties (such as structural, functional, and spatial information, amino acid conservation, physicochemical variation, residue mobility, and thermodynamic stability) performed at Invitae indicates that this missense variant is expected to disrupt TUBB1 protein function with a positive predictive value of 80%. In summary, the available evidence is currently insufficient to determine the role of this variant in disease. Therefore, it has been classified as a Variant of Uncertain Significance.

NM_030773.4(TUBB1):c.749T>G (p.Leu250Arg)

Gene: TUBB1 (tubulin beta 1 class VI; plus strand). Cytogenetic location: 20q13.32.
Variant type: single nucleotide variant.
Coding change: c.749T>G on transcript NM_030773.4 (MANE Select); coding-DNA position 749, T replaced by G.
Protein change: p.Leu250Arg; replaces leucine 250 with arginine.
Molecular consequence: missense variant.
Genome position (GRCh38, 1-based): chr20:59,024,176, T>G. VCF-style: chr20-59024176-T-G. GRCh37 (hg19) VCF-style: chr20-57599231-T-G.
Other names: short protein forms L250R.
Identifiers: ClinVar variation 3655905 (VCV003655905.2).
Genomic context (GRCh38, chr20:59,024,176, plus strand): 5'-CCTTGACCATGAGCGGCATAACCACCTCCCTCCGGTTCCCGGGTCAGCTCAACGCAGACC[T>G]GCGCAAGCTGGCGGTGAACATGGTCCCCTTCCCCCGCCTGCACTTCTTTATGCCCGGCTT-3'
Protein context (NP_110400.1, residues 240-260): LRFPGQLNAD[Leu250Arg]RKLAVNMVPF